The following is an entry in ClinVar:

ClinVar aggregate classification (germline): Uncertain significance (1 of 4 stars; one submission).

Conditions:
Neutral lipid storage myopathy (NLSDM). Also called: NEUTRAL LIPID STORAGE DISEASE WITHOUT ICHTHYOSIS. Identifiers: Orphanet 98908, MedGen C1853136, MONDO:0012545, OMIM 610717.

Allele frequency attached by ClinVar (database versions not stated): ExAC below 0.00001; gnomAD 0.00001; gnomAD exomes 0.00001; TOPMed 0.00002.
gnomAD v4.1: 13 of 1,513,388 alleles (0.00086%); highest among the groups gnomAD compares: Non-Finnish European, 0.0011%; no homozygotes.

Submission:

Labcorp Genetics (formerly Invitae), Labcorp
Classification: Uncertain significance for Neutral lipid storage myopathy. Last evaluated: 2021-09-01. Review status: criteria provided, single submitter. Criteria: Invitae Variant Classification Sherloc (09022015). Collection method: clinical testing. Allele origin: germline.
Comment: This sequence change replaces glycine with serine at codon 14 of the PNPLA2 protein (p.Gly14Ser). The glycine residue is highly conserved and there is a small physicochemical difference between glycine and serine. The frequency data for this variant in the population databases is considered unreliable, as metrics indicate poor data quality at this position in the ExAC database. This variant has not been reported in the literature in individuals affected with PNPLA2-related conditions. Algorithms developed to predict the effect of missense changes on protein structure and function (SIFT, PolyPhen-2, Align-GVGD) all suggest that this variant is likely to be disruptive. In summary, the available evidence is currently insufficient to determine the role of this variant in disease. Therefore, it has been classified as a Variant of Uncertain Significance.

NM_020376.4(PNPLA2):c.40G>A (p.Gly14Ser)

Genes: PNPLA2 (patatin like domain 2, triacylglycerol lipase; plus strand), LOC130005097 (ATAC-STARR-seq lymphoblastoid silent region 3036; plus strand). Cytogenetic location: 11p15.5.
Variant type: single nucleotide variant.
Coding change: c.40G>A on transcript NM_020376.4 (MANE Select); coding-DNA position 40, G replaced by A.
Protein change: p.Gly14Ser; replaces glycine 14 with serine.
Molecular consequence: missense variant.
Genome position (GRCh38, 1-based): chr11:819,758, G>A. VCF-style: chr11-819758-G-A. GRCh37 (hg19) VCF-style: chr11-819758-G-A.
Other names: short protein forms G14S.
Identifiers: ClinVar variation 957495 (VCV000957495.7), dbSNP rs755967977, ClinGen allele CA5790894.
Genomic context (GRCh38, chr11:819,758, plus strand): 5'-GGCCCGGCGGCCGCCGCCGCGATGTTTCCCCGCGAGAAGACGTGGAACATCTCGTTCGCG[G>A]GCTGCGGCTTCCTCGGCGTCTACTACGTCGGCGTGGCCTCCTGCCTCCGCGAGCACGCGC-3'
Protein context (NP_065109.1, residues 4-24): REKTWNISFA[Gly14Ser]CGFLGVYYVG